The following is an entry in ClinVar:

ClinVar aggregate classification (germline): Pathogenic (1 of 4 stars; one submission).

Conditions:
SIN3A-related intellectual disability syndrome due to a point mutation. Also called: WITTEVEEN-KOLK SYNDROME; 15q24 Microdeletion Syndrome. Identifiers: Orphanet 500166, Orphanet 94065, MedGen C4310804, MONDO:0044700, OMIM 613406.

Submission:

Baylor Genetics
Classification: Pathogenic for SIN3A-related intellectual disability syndrome due to a point mutation. Last evaluated: 2019-03-27. Review status: criteria provided, single submitter. Criteria: ACMG Guidelines, 2015. Collection method: clinical testing. Allele origin: paternal. Affected: yes.
Comment: This variant was determined to be pathogenic according to ACMG Guidelines, 2015 [PMID:25741868].

NM_001145358.2(SIN3A):c.1229del (p.Lys410fs)

Gene: SIN3A (SIN3 transcription regulator family member A; minus strand). Cytogenetic location: 15q24.2.
Variant type: Deletion.
Coding change: c.1229del on transcript NM_001145358.2 (MANE Select); coding-DNA position 1229, one base deleted (A; older notation c.1229delA).
Protein change: p.Lys410fs; shifts the reading frame from lysine 410.
Molecular consequence: frameshift variant.
Genome position (GRCh38, 1-based): chr15:75,409,924, T deleted on the plus strand (A on the coding strand, the reverse complement: SIN3A is on the minus strand); the first of 2 consecutive T bases (chr15:75,409,924-75,409,925); deleting either gives the same sequence. VCF-style (leftmost placement, unchanged base first): chr15-75409923-CT-C. GRCh37 (hg19) VCF-style: chr15-75702264-CT-C.
Other names: c.1229del, p.Lys410fs (NM_001145357.2, NM_015477.3); short protein forms K410fs.
Identifiers: ClinVar variation 1031165 (VCV001031165.1), dbSNP rs2073599549, ClinGen allele CA2188128816.